The following is an entry in ClinVar:

NM_024757.5(EHMT1):c.2806A>T (p.Asn936Tyr)

Gene: EHMT1 (euchromatic histone lysine methyltransferase 1; plus strand). Cytogenetic location: 9q34.3.
Variant type: single nucleotide variant.
Coding change: c.2806A>T on transcript NM_024757.5 (MANE Select); coding-DNA position 2806, A replaced by T.
Protein change: p.Asn936Tyr; replaces asparagine 936 with tyrosine.
Molecular consequence: missense variant.
Genome position (GRCh38, 1-based): chr9:137,811,554, A>T. VCF-style: chr9-137811554-A-T. GRCh37 (hg19) VCF-style: chr9-140706006-A-T.
Other names: c.2785A>T, p.Asn929Tyr (NM_001354263.2); short protein forms N929Y, N936Y.
Identifiers: ClinVar variation 5019485 (VCV005019485.2).

ClinVar aggregate classification (germline): Uncertain significance (1 of 4 stars; one submission).

Conditions:
Kleefstra syndrome 1 (KLEFS1). Identifiers: Orphanet 261494, MedGen C0795833, MONDO:0027407, OMIM 610253.

Submission:

Juno Genomics, Hangzhou Juno Genomics, Inc
Classification: Uncertain significance for Kleefstra syndrome 1. Review status: criteria provided, single submitter. Criteria: ACMG Guidelines, 2015. Collection method: clinical testing. Allele origin: germline.
Comment: Absent from controls (or at extremely low frequency if recessive) in Genome Aggregation Database.;Multiple lines of computational evidence support a deleterious effect on the gene or gene product.